The following is an entry in ClinVar:

NM_001367561.1(DOCK7):c.4900A>G (p.Arg1634Gly)

Gene: DOCK7 (dedicator of cytokinesis 7; minus strand). Cytogenetic location: 1p31.3.
Variant type: single nucleotide variant.
Coding change: c.4900A>G on transcript NM_001367561.1 (MANE Select); coding-DNA position 4900, A replaced by G.
Protein change: p.Arg1634Gly; replaces arginine 1634 with glycine.
Molecular consequence: missense variant.
Genome position (GRCh38, 1-based): chr1:62,496,362, T>C on the plus strand (A>G on the coding strand, the complement: DOCK7 is on the minus strand). VCF-style: chr1-62496362-T-C. GRCh37 (hg19) VCF-style: chr1-62962033-T-C.
Other names: c.4807A>G (NM_033407.2); c.4873A>G, p.Arg1625Gly (NM_001271999.2, NM_001330614.2); c.4780A>G, p.Arg1594Gly (NM_001272000.2, NM_001272001.2); c.4807A>G, p.Arg1603Gly (NM_033407.4); short protein forms R1603G, R1634G, R1594G, R1625G.
Identifiers: ClinVar variation 1940978 (VCV001940978.3), dbSNP rs138933939, ClinGen allele CA885593.

ClinVar aggregate classification (germline): Uncertain significance. Review status: criteria provided, multiple submitters, no conflicts (2 of 4 stars). 2 submissions from 2 submitters: Uncertain significance (2). Last evaluated 2025-12-08.

Conditions:
Inborn genetic diseases. Identifiers: MedGen C0950123, MeSH D030342.
Developmental and epileptic encephalopathy, 23 (DEE23). Also called: Epileptic encephalopathy, early infantile, 23. Identifiers: Orphanet 411986, MedGen C4014492, MONDO:0014371, OMIM 615859.

Allele frequency attached by ClinVar (database versions not stated): TOPMed 0.00001; ExAC 0.00001; gnomAD 0.00001; ESP Exome Variant Server 0.00008.
gnomAD v4.1: 1 of 1,613,170 alleles (0.000062%); highest among the groups gnomAD compares: African/African-American, 0.0013%; no homozygotes.

Submissions (2):

Ambry Genetics
Classification: Uncertain significance for Inborn genetic diseases. Last evaluated: 2025-12-08. Review status: criteria provided, single submitter. Criteria: Ambry Variant Classification Scheme 2023. Collection method: clinical testing. Allele origin: germline.

Labcorp Genetics (formerly Invitae), Labcorp
Classification: Uncertain significance for Developmental and epileptic encephalopathy, 23. Last evaluated: 2021-12-30. Review status: criteria provided, single submitter. Criteria: Invitae Variant Classification Sherloc (09022015). Collection method: clinical testing. Allele origin: germline.
Comment: This sequence change replaces arginine, which is basic and polar, with glycine, which is neutral and non-polar, at codon 1625 of the DOCK7 protein (p.Arg1625Gly). This variant is present in population databases (rs138933939, gnomAD 0.01%). This variant has not been reported in the literature in individuals affected with DOCK7-related conditions. Algorithms developed to predict the effect of missense changes on protein structure and function (SIFT, PolyPhen-2, Align-GVGD) all suggest that this variant is likely to be tolerated. In summary, the available evidence is currently insufficient to determine the role of this variant in disease. Therefore, it has been classified as a Variant of Uncertain Significance.